The following is an entry in ClinVar:

ClinVar aggregate classification (germline): Uncertain significance (1 of 4 stars; one submission).

Conditions:
Neurofibromatosis, type 1 (NF1). Also called: VON RECKLINGHAUSEN DISEASE; Neurofibromatosis, type I; NEUROFIBROMATOSIS, TYPE I, SOMATIC; Peripheral type neurofibromatosis. Identifiers: Orphanet 636, MedGen C0027831, MONDO:0018975, OMIM 162200. Disease mechanism: loss of function.

Submission:

Labcorp Genetics (formerly Invitae), Labcorp
Classification: Uncertain significance for Neurofibromatosis, type 1. Last evaluated: 2023-10-24. Review status: criteria provided, single submitter. Criteria: Invitae Variant Classification Sherloc (09022015). Collection method: clinical testing. Allele origin: germline.
Comment: This sequence change replaces threonine, which is neutral and polar, with serine, which is neutral and polar, at codon 1213 of the NF1 protein (p.Thr1213Ser). This variant is not present in population databases (gnomAD no frequency). This variant has not been reported in the literature in individuals affected with NF1-related conditions. Advanced modeling of protein sequence and biophysical properties (such as structural, functional, and spatial information, amino acid conservation, physicochemical variation, residue mobility, and thermodynamic stability) performed at Invitae indicates that this missense variant is expected to disrupt NF1 protein function with a positive predictive value of 95%. In summary, the available evidence is currently insufficient to determine the role of this variant in disease. Therefore, it has been classified as a Variant of Uncertain Significance.

NM_001042492.3(NF1):c.3637A>T (p.Thr1213Ser)

Gene: NF1 (neurofibromin 1; plus strand). Cytogenetic location: 17q11.2.
Variant type: single nucleotide variant.
Coding change: c.3637A>T on transcript NM_001042492.3 (MANE Select); coding-DNA position 3637, A replaced by T.
Protein change: p.Thr1213Ser; replaces threonine 1213 with serine.
Molecular consequence: missense variant.
Genome position (GRCh38, 1-based): chr17:31,233,142, A>T. VCF-style: chr17-31233142-A-T. GRCh37 (hg19) VCF-style: chr17-29560160-A-T.
Other names: c.3637A>T, p.Thr1213Ser (NM_000267.4); short protein forms T1213S.
Identifiers: ClinVar variation 2771639 (VCV002771639.3), dbSNP rs2151435653, ClinGen allele CA398990398.